The following is an entry in ClinVar:

NM_004364.5(CEBPA):c.787C>T (p.Leu263Phe)

Gene: CEBPA (CCAAT enhancer binding protein alpha; minus strand). Cytogenetic location: 19q13.11.
Variant type: single nucleotide variant.
Coding change: c.787C>T on transcript NM_004364.5 (MANE Select); coding-DNA position 787, C replaced by T.
Protein change: p.Leu263Phe; replaces leucine 263 with phenylalanine.
Molecular consequence: missense variant.
Genome position (GRCh38, 1-based): chr19:33,301,628, G>A on the plus strand (C>T on the coding strand, the complement: CEBPA is on the minus strand). VCF-style: chr19-33301628-G-A. GRCh37 (hg19) VCF-style: chr19-33792534-G-A.
Other names: c.430C>T, p.Leu144Phe (NM_001285829.2); c.892C>T, p.Leu298Phe (NM_001287424.2); c.745C>T, p.Leu249Phe (NM_001287435.2); short protein forms L263F, L249F, L144F, L298F.
Identifiers: ClinVar variation 526808 (VCV000526808.9), dbSNP rs1357810737, ClinGen allele CA405274213.

ClinVar aggregate classification (germline): Uncertain significance (1 of 4 stars; one submission).

Conditions:
Acute myeloid leukemia (AML). Also called: Leukemia, acute myeloid, somatic; Leukemia, acute myelogenous, somatic; Acute myeloid leukemia, adult; AML adult; Acute non-lymphocytic leukemia; Acute granulocytic leukemia. Identifiers: Orphanet 519, MedGen C0023467, MeSH D015470, MONDO:0018874, OMIM 601626, HP:0004808. Disease mechanism: Constitutively activated FLT3.

Allele frequency attached by ClinVar (database versions not stated): gnomAD exomes 0.00001.

Submission:

Labcorp Genetics (formerly Invitae), Labcorp
Classification: Uncertain significance for Acute myeloid leukemia. Last evaluated: 2024-06-24. Review status: criteria provided, single submitter. Criteria: Invitae Variant Classification Sherloc (09022015). Collection method: clinical testing. Allele origin: germline.
Comment: This sequence change replaces leucine, which is neutral and non-polar, with phenylalanine, which is neutral and non-polar, at codon 263 of the CEBPA protein (p.Leu263Phe). This variant is present in population databases (no rsID available, gnomAD 0.007%). This variant has not been reported in the literature in individuals affected with CEBPA-related conditions. ClinVar contains an entry for this variant (Variation ID: 526808). Advanced modeling of protein sequence and biophysical properties (such as structural, functional, and spatial information, amino acid conservation, physicochemical variation, residue mobility, and thermodynamic stability) performed at Invitae indicates that this missense variant is not expected to disrupt CEBPA protein function with a negative predictive value of 80%. In summary, the available evidence is currently insufficient to determine the role of this variant in disease. Therefore, it has been classified as a Variant of Uncertain Significance.